The following is an entry in ClinVar:

NM_017780.4(CHD7):c.7996A>G (p.Met2666Val)

Gene: CHD7 (chromodomain helicase DNA binding protein 7; plus strand). Cytogenetic location: 8q12.2.
Variant type: single nucleotide variant.
Coding change: c.7996A>G on transcript NM_017780.4 (MANE Select); coding-DNA position 7996, A replaced by G.
Protein change: p.Met2666Val; replaces methionine 2666 with valine.
Molecular consequence: missense variant.
Genome position (GRCh38, 1-based): chr8:60,862,572, A>G. VCF-style: chr8-60862572-A-G. GRCh37 (hg19) VCF-style: chr8-61775131-A-G.
Other names: c.1849A>G, p.Met617Val (NM_001316690.1); short protein forms M2666V, M617V.
Identifiers: ClinVar variation 1356020 (VCV001356020.8), dbSNP rs2129725268, ClinGen allele CA371305811.

ClinVar aggregate classification (germline): Uncertain significance (1 of 4 stars; one submission).

Conditions:
CHARGE syndrome (CHARGE). Also called: Hittner Hirsch Kreh syndrome; CHARGE ASSOCIATION--COLOBOMA, HEART ANOMALY, CHOANAL ATRESIA, RETARDATION, GENITAL AND EAR ANOMALIES; Coloboma, heart anomaly, choanal atresia, retardation, genital and ear anomalies; CHARGE association; Hall-Hittner syndrome. Identifiers: Orphanet 138, MedGen C0265354, MONDO:0008965.

Allele frequency attached by ClinVar (database versions not stated): gnomAD exomes below 0.00001.
gnomAD v4.1: 3 of 1,577,096 alleles (0.00019%); highest among the groups gnomAD compares: Non-Finnish European, 0.00026%; no homozygotes.

Submission:

Labcorp Genetics (formerly Invitae), Labcorp
Classification: Uncertain significance for CHARGE syndrome. Last evaluated: 2022-08-31. Review status: criteria provided, single submitter. Criteria: Invitae Variant Classification Sherloc (09022015). Collection method: clinical testing. Allele origin: germline.
Comment: In summary, the available evidence is currently insufficient to determine the role of this variant in disease. Therefore, it has been classified as a Variant of Uncertain Significance. Algorithms developed to predict the effect of sequence changes on RNA splicing suggest that this variant may create or strengthen a splice site. Advanced modeling of protein sequence and biophysical properties (such as structural, functional, and spatial information, amino acid conservation, physicochemical variation, residue mobility, and thermodynamic stability) performed at Invitae indicates that this missense variant is not expected to disrupt CHD7 protein function. ClinVar contains an entry for this variant (Variation ID: 1356020). This variant has not been reported in the literature in individuals affected with CHD7-related conditions. This variant is not present in population databases (gnomAD no frequency). This sequence change replaces methionine, which is neutral and non-polar, with valine, which is neutral and non-polar, at codon 2666 of the CHD7 protein (p.Met2666Val).